The following is an entry in ClinVar:

ClinVar aggregate classification (germline): Uncertain significance. Review status: criteria provided, multiple submitters, no conflicts (2 of 4 stars). 2 submissions from 2 submitters: Uncertain significance (2). Last evaluated 2025-12-31.

Conditions:
Neuroblastoma, susceptibility to, 3. Also called: ALK-Related Neuroblastic Tumor Susceptibility. Identifiers: Orphanet 635, MedGen C2751681, MONDO:0013083, OMIM 613014.
Hereditary cancer-predisposing syndrome. Also called: Tumor predisposition; Hereditary Cancer Syndrome; Hereditary neoplastic syndrome; Neoplastic Syndromes, Hereditary. Identifiers: Orphanet 140162, MedGen C0027672, MeSH D009386, MONDO:0015356.

Submissions (2):

Ambry Genetics
Classification: Uncertain significance for Hereditary cancer-predisposing syndrome. Last evaluated: 2025-12-31. Review status: criteria provided, single submitter. Criteria: Ambry Variant Classification Scheme 2023. Collection method: clinical testing. Allele origin: germline.
Comment: The p.F1315S variant (also known as c.3944T>C), located in coding exon 27 of the ALK gene, results from a T to C substitution at nucleotide position 3944. The phenylalanine at codon 1315 is replaced by serine, an amino acid with highly dissimilar properties. This amino acid position is conserved. In addition, this alteration is predicted to be deleterious by in silico analysis. Based on the available evidence, the clinical significance of this variant remains unclear.

Baylor Genetics
Classification: Uncertain significance for Neuroblastoma, susceptibility to, 3. Last evaluated: 2023-09-28. Review status: criteria provided, single submitter. Criteria: ACMG Guidelines, 2015. Collection method: clinical testing. Allele origin: unknown.

NM_004304.5(ALK):c.3944T>C (p.Phe1315Ser)

Gene: ALK (ALK receptor tyrosine kinase; minus strand). Cytogenetic location: 2p23.2.
Variant type: single nucleotide variant.
Coding change: c.3944T>C on transcript NM_004304.5 (MANE Select); coding-DNA position 3944, T replaced by C.
Protein change: p.Phe1315Ser; replaces phenylalanine 1315 with serine.
Molecular consequence: missense variant.
Genome position (GRCh38, 1-based): chr2:29,197,671, A>G on the plus strand (T>C on the coding strand, the complement: ALK is on the minus strand). VCF-style: chr2-29197671-A-G. GRCh37 (hg19) VCF-style: chr2-29420537-A-G.
Other names: c.3944T>C (NM_004304.4); c.740T>C, p.Phe247Ser (NM_001353765.2); short protein forms F1315S, F247S.
Identifiers: ClinVar variation 2675845 (VCV002675845.2), dbSNP rs2148143663, ClinGen allele CA346466506.